The following is an entry in ClinVar:

ClinVar aggregate classification (germline): Uncertain significance. Review status: criteria provided, multiple submitters, no conflicts (2 of 4 stars). 2 submissions from 2 submitters: Uncertain significance (2). Last evaluated 2024-11-11.

Conditions:
Inborn genetic diseases. Identifiers: MedGen C0950123, MeSH D030342.

Allele frequency attached by ClinVar (database versions not stated): gnomAD exomes 0.00001 and 0.00002; ExAC 0.00002; gnomAD 0.00003 and 0.00005; TOPMed 0.00007.
gnomAD v4.1: 26 of 1,614,110 alleles (0.0016%); highest among the groups gnomAD compares: Middle Eastern, 0.016%; no homozygotes.

Submissions (2):

Ambry Genetics
Classification: Uncertain significance for Inborn genetic diseases. Last evaluated: 2024-11-11. Review status: criteria provided, single submitter. Criteria: Ambry Variant Classification Scheme 2023. Collection method: clinical testing. Allele origin: germline.

Labcorp Genetics (formerly Invitae), Labcorp
Classification: Uncertain significance. Last evaluated: 2022-09-01. Review status: criteria provided, single submitter. Criteria: Invitae Variant Classification Sherloc (09022015). Collection method: clinical testing. Allele origin: germline.
Comment: This sequence change replaces arginine, which is basic and polar, with glycine, which is neutral and non-polar, at codon 745 of the LCT protein (p.Arg745Gly). This variant is present in population databases (rs763912991, gnomAD 0.009%). This variant has not been reported in the literature in individuals affected with LCT-related conditions. ClinVar contains an entry for this variant (Variation ID: 1360992). Algorithms developed to predict the effect of missense changes on protein structure and function are either unavailable or do not agree on the potential impact of this missense change (SIFT: "Not Available"; PolyPhen-2: "Benign"; Align-GVGD: "Not Available"). In summary, the available evidence is currently insufficient to determine the role of this variant in disease. Therefore, it has been classified as a Variant of Uncertain Significance.

NM_002299.4(LCT):c.2233A>G (p.Arg745Gly)

Gene: LCT (lactase; minus strand). Cytogenetic location: 2q21.3.
Variant type: single nucleotide variant.
Coding change: c.2233A>G on transcript NM_002299.4 (MANE Select); coding-DNA position 2233, A replaced by G.
Protein change: p.Arg745Gly; replaces arginine 745 with glycine.
Molecular consequence: missense variant.
Genome position (GRCh38, 1-based): chr2:135,812,431, T>C on the plus strand (A>G on the coding strand, the complement: LCT is on the minus strand). VCF-style: chr2-135812431-T-C. GRCh37 (hg19) VCF-style: chr2-136570001-T-C.
Other names: c.2233A>G (NM_002299.2); short protein forms R745G.
Identifiers: ClinVar variation 1360992 (VCV001360992.6), dbSNP rs763912991, ClinGen allele CA1888275.